The following is an entry in ClinVar:

ClinVar aggregate classification (germline): Pathogenic/Likely pathogenic. Review status: criteria provided, multiple submitters, no conflicts (2 of 4 stars). 5 submissions from 5 submitters: Pathogenic (3); Likely pathogenic (1). 1 of the submissions does not count toward it. Last evaluated 2025-03-31.

Conditions:
BBS9-related disorder. Also called: BBS9-related condition.
Bardet-Biedl syndrome (BBS). Identifiers: Orphanet 110, MedGen C0752166, MONDO:0015229.
Bardet-Biedl syndrome 9 (BBS9). Identifiers: Orphanet 110, MedGen C1859567, MONDO:0014437, OMIM 615986.

Allele frequency attached by ClinVar (database versions not stated): gnomAD 0.00001; gnomAD exomes 0.00002; TOPMed 0.00003; ESP Exome Variant Server 0.00008; 1000 Genomes Project 0.00020.
gnomAD v4.1: 19 of 1,613,742 alleles (0.0012%); highest among the groups gnomAD compares: African/African-American, 0.004%; no homozygotes.

Submissions (5):

Labcorp Genetics (formerly Invitae), Labcorp
Classification: Pathogenic for Bardet-Biedl syndrome. Last evaluated: 2025-03-31. Review status: criteria provided, single submitter. Criteria: Invitae Variant Classification Sherloc (09022015). Collection method: clinical testing. Allele origin: germline.
Comment: This sequence change affects a donor splice site in intron 3 of the BBS9 gene. RNA analysis indicates that disruption of this splice site induces altered splicing and likely disrupts the C-terminus of the protein. This variant is present in population databases (rs137962929, gnomAD 0.01%). Disruption of this splice site has been observed in individual(s) with Bardet-Biedl syndrome (PMID: 24849935). ClinVar contains an entry for this variant (Variation ID: 412264). Studies have shown that disruption of this splice site results in insertion of 4 nucleotides between exons 3 and 4 and introduces a new termination codon (PMID: 24849935). However the mRNA is not expected to undergo nonsense-mediated decay. For these reasons, this variant has been classified as Pathogenic.

Blueprint Genetics
Classification: Likely pathogenic for BBS9-related disorders. Last evaluated: 2024-06-10. Review status: criteria provided, single submitter. Criteria: ACMG Guidelines, 2015. Collection method: clinical testing. Allele origin: germline. Affected: yes. Observed: 3 variant alleles.

Fulgent Genetics
Classification: Pathogenic for Bardet-Biedl syndrome 9. Last evaluated: 2024-03-28. Review status: criteria provided, single submitter. Criteria: ACMG Guidelines, 2015. Collection method: clinical testing. Allele origin: germline.

Institute of Medical Genetics and Applied Genomics, University Hospital Tübingen
Classification: Pathogenic for Bardet-Biedl syndrome 9. Last evaluated: 2022-12-20. Review status: criteria provided, single submitter. Criteria: ACMG Guidelines, 2015. Collection method: clinical testing. Allele origin: germline. Inheritance: Autosomal recessive inheritance. Affected: yes.

PreventionGenetics, part of Exact Sciences
Classification: Pathogenic for BBS9-related condition. Last evaluated: 2023-11-16. Review status: no assertion criteria provided. Collection method: clinical testing. Allele origin: germline. Not counted in ClinVar's aggregate classification.
Comment: The BBS9 c.263+1G>A variant is predicted to disrupt the GT donor site and interfere with normal splicing. This canonical splice variant has been reported in the homozygous state in an individual with Bardet-Biedl syndrome (Fattahi et al. 2014. PubMed ID: 24849935). This variant is reported in 0.012% of alleles in individuals of African descent in gnomAD. Variants that disrupt the consensus splice donor site in BBS9 are expected to be pathogenic. This variant is interpreted as pathogenic.

Literature cited by the submitters: PubMed 24849935 (cited by Labcorp Genetics (formerly Invitae), Labcorp).

NM_198428.3(BBS9):c.263+1G>A

Gene: BBS9 (Bardet-Biedl syndrome 9; plus strand). Cytogenetic location: 7p14.3.
Variant type: single nucleotide variant.
Coding change: c.263+1G>A on transcript NM_198428.3 (MANE Select); the canonical splice donor site of the intron after coding-DNA position 263, G replaced by A.
Molecular consequence: splice donor variant. On other transcripts: 5 prime UTR variant (2), intron variant (2).
Genome position (GRCh38, 1-based): chr7:33,152,852, G>A. VCF-style: chr7-33152852-G-A. GRCh37 (hg19) VCF-style: chr7-33192464-G-A.
Other names: c.-14G>A (NM_001348038.3, NM_001348039.3); c.263+1G>A (NM_001348036.1, NM_001362679.1, NM_001348041.4 and 5 more transcripts); c.-39+1G>A (NM_001348037.3, NM_001348045.3); c.128+1G>A (NM_001348042.3); c.-39+22811G>A (NM_001348046.3, NM_001348044.3).
Identifiers: ClinVar variation 412264 (VCV000412264.16), dbSNP rs137962929, ClinGen allele CA16612093.
Genomic context (GRCh38, chr7:33,152,852, plus strand): 5'-GCTTCTAGAAGTGGATCTACGAGATCCAGTACTTCAAGTGGAAGTAGGAAAGTTTGTTTC[G>A]TAAGTAAGCCCACTAATTCTGGTATTTTACTTGGAGTATGTCAATCCTTTACAGTGTCAC-3'